The following is an entry in ClinVar:

NM_022765.4(MICAL1):c.3079C>G (p.Arg1027Gly)

Gene: MICAL1 (microtubule associated monooxygenase, calponin and LIM domain containing 1; minus strand). Cytogenetic location: 6q21.
Variant type: single nucleotide variant.
Coding change: c.3079C>G on transcript NM_022765.4 (MANE Select); coding-DNA position 3079, C replaced by G.
Protein change: p.Arg1027Gly; replaces arginine 1027 with glycine.
Molecular consequence: missense variant.
Genome position (GRCh38, 1-based): chr6:109,444,316, G>C on the plus strand (C>G on the coding strand, the complement: MICAL1 is on the minus strand). VCF-style: chr6-109444316-G-C. GRCh37 (hg19) VCF-style: chr6-109765519-G-C.
Other names: c.2821C>G, p.Arg941Gly (NM_001159291.2); c.3136C>G, p.Arg1046Gly (NM_001286613.2); c.3079C>G (NM_022765.3); short protein forms R1046G, R941G, R1027G.
Identifiers: ClinVar variation 2909537 (VCV002909537.4), dbSNP rs368801401, ClinGen allele CA365219306.

ClinVar aggregate classification (germline): Uncertain significance. Review status: criteria provided, multiple submitters, no conflicts (2 of 4 stars). 2 submissions from 2 submitters: Uncertain significance (2). Last evaluated 2025-06-16.

gnomAD v4.1: 2 of 1,613,436 alleles (0.00012%); highest among the groups gnomAD compares: African/African-American, 0.0027%; no homozygotes.

Submissions (2):

Ambry Genetics
Classification: Uncertain significance. Last evaluated: 2025-06-16. Review status: criteria provided, single submitter. Criteria: Ambry Variant Classification Scheme 2023. Collection method: clinical testing. Allele origin: germline.

Labcorp Genetics (formerly Invitae), Labcorp
Classification: Uncertain significance. Last evaluated: 2023-12-19. Review status: criteria provided, single submitter. Criteria: Invitae Variant Classification Sherloc (09022015). Collection method: clinical testing. Allele origin: germline.
Comment: This sequence change replaces arginine, which is basic and polar, with glycine, which is neutral and non-polar, at codon 1046 of the MICAL1 protein (p.Arg1046Gly). This variant is not present in population databases (gnomAD no frequency). This variant has not been reported in the literature in individuals affected with MICAL1-related conditions. An algorithm developed to predict the effect of missense changes on protein structure and function (PolyPhen-2) suggests that this variant is likely to be disruptive. In summary, the available evidence is currently insufficient to determine the role of this variant in disease. Therefore, it has been classified as a Variant of Uncertain Significance.